The following is an entry in ClinVar:

NM_005751.5(AKAP9):c.4400G>C (p.Gly1467Ala)

Gene: AKAP9 (A-kinase anchoring protein 9; plus strand). Cytogenetic location: 7q21.2.
Variant type: single nucleotide variant.
Coding change: c.4400G>C on transcript NM_005751.5 (MANE Select); coding-DNA position 4400, G replaced by C.
Protein change: p.Gly1467Ala; replaces glycine 1467 with alanine.
Molecular consequence: missense variant.
Genome position (GRCh38, 1-based): chr7:92,038,480, G>C. VCF-style: chr7-92038480-G-C. GRCh37 (hg19) VCF-style: chr7-91667794-G-C.
Other names: c.4400G>C, p.Gly1467Ala (NM_147185.3); short protein forms G1467A.
Identifiers: ClinVar variation 1740336 (VCV001740336.2), dbSNP rs2484807646, ClinGen allele CA368128664.

ClinVar aggregate classification (germline): Uncertain significance (1 of 4 stars; one submission).

Conditions:
Cardiovascular phenotype. Identifiers: MedGen CN230736.

Submission:

Ambry Genetics
Classification: Uncertain significance for Cardiovascular phenotype. Last evaluated: 2021-08-22. Review status: criteria provided, single submitter. Criteria: Ambry Variant Classification Scheme 2023. Collection method: clinical testing. Allele origin: germline.
Comment: The p.G1467A variant (also known as c.4400G>C), located in coding exon 17 of the AKAP9 gene, results from a G to C substitution at nucleotide position 4400. The glycine at codon 1467 is replaced by alanine, an amino acid with similar properties. This amino acid position is conserved. In addition, this alteration is predicted to be tolerated by in silico analysis. Since supporting evidence is limited at this time, the clinical significance of this alteration remains unclear.